The following is an entry in ClinVar:

NM_001374353.1(GLI2):c.254+1G>T

Gene: GLI2 (GLI family zinc finger 2; plus strand). Cytogenetic location: 2q14.2.
Variant type: single nucleotide variant.
Coding change: c.254+1G>T on transcript NM_001374353.1 (MANE Select); the canonical splice donor site of the intron after coding-DNA position 254, G replaced by T.
Molecular consequence: splice donor variant. On other transcripts: intron variant (1).
Genome position (GRCh38, 1-based): chr2:120,927,467, G>T. VCF-style: chr2-120927467-G-T. GRCh37 (hg19) VCF-style: chr2-121685043-G-T.
Other names: c.254+1G>T (NM_001371271.1, NM_005270.5); c.-121-23776G>T (NM_001374354.1).
Identifiers: ClinVar variation 3236584 (VCV003236584.1), dbSNP rs1458149576, ClinGen allele CA348160892.

ClinVar aggregate classification (germline): Likely pathogenic (1 of 4 stars; one submission).

Conditions:
Holoprosencephaly 9 (HPE9). Also called: HOLOPROSENCEPHALY WITH MICROPHTHALMIA AND FIRST BRANCHIAL ARCH ANOMALIES; PITUITARY ANOMALIES WITH HOLOPROSENCEPHALY-LIKE FEATURES. Identifiers: Orphanet 2162, MedGen C1835819, MONDO:0012563, OMIM 610829.
Postaxial polydactyly-anterior pituitary anomalies-facial dysmorphism syndrome. Also called: Culler-Jones syndrome. Identifiers: Orphanet 420584, MedGen C4014479, MONDO:0014369, OMIM 615849.

gnomAD v4.1: 1 of 1,600,626 alleles (0.000062%); no homozygotes.

Submission:

Clinical Genomics Laboratory, Washington University in St. Louis
Classification: Likely pathogenic for Holoprosencephaly 9; Postaxial polydactyly-anterior pituitary anomalies-facial dysmorphism syndrome. Last evaluated: 2023-11-20. Review status: criteria provided, single submitter. Criteria: ACMG Guidelines, 2015. Collection method: clinical testing. Allele origin: germline. Affected: yes.
Comment: The GLI2 c.254+1G>T variant, to our knowledge, has not been reported in the medical literature and is absent from the general population (gnomAD v.2.1.1), indicating it is not a common variant. This variant occurs within the canonical donor splice site, which is predicted to cause skipping of the exon, leading to an out of frame transcript. Based on available information and the ACMG/AMP guidelines for variant interpretation (Richards S et al., PMID: 25741868), this variant is classified as likely pathogenic.